The following is an entry in ClinVar:

NM_004064.5(CDKN1B):c.278G>A (p.Arg93Gln)

Gene: CDKN1B (cyclin dependent kinase inhibitor 1B; plus strand). Cytogenetic location: 12p13.1.
Variant type: single nucleotide variant.
Coding change: c.278G>A on transcript NM_004064.5 (MANE Select); coding-DNA position 278, G replaced by A.
Protein change: p.Arg93Gln; replaces arginine 93 with glutamine.
Molecular consequence: missense variant.
Genome position (GRCh38, 1-based): chr12:12,718,117, G>A. VCF-style: chr12-12718117-G-A. GRCh37 (hg19) VCF-style: chr12-12871051-G-A.
Other names: short protein forms R93Q.
Identifiers: ClinVar variation 469013 (VCV000469013.19), dbSNP rs769996423, ClinGen allele CA6457441.

ClinVar aggregate classification (germline): Uncertain significance. Review status: criteria provided, multiple submitters, no conflicts (2 of 4 stars). 5 submissions from 5 submitters: Uncertain significance (5). Last evaluated 2026-01-31.

Conditions:
Multiple endocrine neoplasia type 4. Also called: MULTIPLE ENDOCRINE NEOPLASIA, TYPE IV. Identifiers: Orphanet 276152, MedGen C1970712, MONDO:0012552, OMIM 610755.
Hereditary cancer-predisposing syndrome. Also called: Hereditary neoplastic syndrome; Neoplastic Syndromes, Hereditary; Tumor predisposition; Hereditary Cancer Syndrome. Identifiers: Orphanet 140162, MedGen C0027672, MeSH D009386, MONDO:0015356.

Allele frequency attached by ClinVar (database versions not stated): gnomAD 0.00001; gnomAD exomes 0.00001; ExAC 0.00002.
gnomAD v4.1: 14 of 1,614,042 alleles (0.00087%); highest among the groups gnomAD compares: Non-Finnish European, 0.00093%; no homozygotes.

Submissions (5):

Labcorp Genetics (formerly Invitae), Labcorp
Classification: Uncertain significance for Multiple endocrine neoplasia type 4. Last evaluated: 2026-01-31. Review status: criteria provided, single submitter. Criteria: Invitae Variant Classification Sherloc (09022015). Collection method: clinical testing. Allele origin: germline.
Comment: This sequence change replaces arginine, which is basic and polar, with glutamine, which is neutral and polar, at codon 93 of the CDKN1B protein (p.Arg93Gln). This variant is present in population databases (rs769996423, gnomAD 0.002%). This variant has not been reported in the literature in individuals affected with CDKN1B-related conditions. ClinVar contains an entry for this variant (Variation ID: 469013). An algorithm developed to predict the effect of missense changes on protein structure and function (PolyPhen-2) suggests that this variant is likely to be disruptive. In summary, the available evidence is currently insufficient to determine the role of this variant in disease. Therefore, it has been classified as a Variant of Uncertain Significance.

Ambry Genetics
Classification: Uncertain significance for Hereditary cancer-predisposing syndrome. Last evaluated: 2024-04-01. Review status: criteria provided, single submitter. Criteria: Ambry Variant Classification Scheme 2023. Collection method: clinical testing. Allele origin: germline.
Comment: The p.R93Q variant (also known as c.278G>A), located in coding exon 1 of the CDKN1B gene, results from a G to A substitution at nucleotide position 278. The arginine at codon 93 is replaced by glutamine, an amino acid with highly similar properties. This amino acid position is well conserved in available vertebrate species. In addition, the in silico prediction for this alteration is inconclusive. Since supporting evidence is limited at this time, the clinical significance of this alteration remains unclear.

Baylor Genetics
Classification: Uncertain significance for Multiple endocrine neoplasia type 4. Last evaluated: 2024-02-28. Review status: criteria provided, single submitter. Criteria: ACMG Guidelines, 2015. Collection method: clinical testing. Allele origin: unknown.

GeneDx
Classification: Uncertain significance. Last evaluated: 2023-09-01. Review status: criteria provided, single submitter. Criteria: GeneDx Variant Classification Process June 2021. Collection method: clinical testing. Allele origin: germline. Affected: yes.
Comment: Not observed at significant frequency in large population cohorts (gnomAD); In silico analysis supports that this missense variant does not alter protein structure/function; Has not been previously published as pathogenic or benign to our knowledge

Fulgent Genetics
Classification: Uncertain significance for Multiple endocrine neoplasia type 4. Last evaluated: 2018-10-31. Review status: criteria provided, single submitter. Criteria: ACMG Guidelines, 2015. Collection method: clinical testing. Allele origin: unknown.